The following is an entry in ClinVar:

ClinVar aggregate classification (germline): Likely pathogenic (1 of 4 stars; one submission).

Conditions:
Polydactyly, postaxial, type A8. Identifiers: MedGen C4748277, MONDO:0029130, OMIM 618123.
Polydactyly of a biphalangeal thumb. Also called: Preaxial hand polydactyly; Thumb polydactyly; Polydactyly, preaxial I; FROMONT ANOMALY. Identifiers: Orphanet 93339, MedGen C1395852, MONDO:0008269, OMIM 174400, HP:0001177.

Submission:

First Genomix Gene Laboratory, Genetic Diagnostics Department
Classification: Likely pathogenic for Polydactyly, postaxial, type A8; Polydactyly of a biphalangeal thumb. Last evaluated: 2025-08-28. Review status: criteria provided, single submitter. Criteria: ACMG Guidelines, 2015. Collection method: clinical testing. Allele origin: germline. Inheritance: Autosomal recessive inheritance. Affected: no. Observed: 1 variant allele.

NM_005269.3(GLI1):c.2797_2798insA (p.Gly933fs)

Gene: GLI1 (GLI family zinc finger 1; plus strand). Cytogenetic location: 12q13.3.
Variant type: Insertion.
Coding change: c.2797_2798insA on transcript NM_005269.3 (MANE Select); coding-DNA positions 2797 to 2798, A inserted.
Protein change: p.Gly933fs; shifts the reading frame from glycine 933.
Molecular consequence: frameshift variant.
Genome position: GRCh38 VCF-style: chr12-57471537-G-GA. GRCh37 (hg19) VCF-style: chr12-57865320-G-GA.
Other names: c.2413_2414insA, p.Gly805fs (NM_001160045.2); c.2674_2675insA, p.Gly892fs (NM_001167609.2); short protein forms G805fs, G892fs, G933fs.
Identifiers: ClinVar variation 4850237 (VCV004850237.1).